The following is an entry in ClinVar:

ClinVar aggregate classification (germline): Likely pathogenic (1 of 4 stars; one submission).

Conditions:
Wilson disease (WND). Also called: Wilson's disease. Identifiers: Orphanet 905, MedGen C0019202, MONDO:0010200, OMIM 277900. Disease mechanism: loss of function.

Submission:

Juno Genomics, Hangzhou Juno Genomics, Inc
Classification: Likely pathogenic for Wilson disease. Review status: criteria provided, single submitter. Criteria: ACMG Guidelines, 2015. Collection method: clinical testing. Allele origin: germline.
Comment: Null variant in a gene where loss of function (LOF) is a known mechanism of disease.;Absent from controls (or at extremely low frequency if recessive) in Genome Aggregation Database.

NM_000053.4(ATP7B):c.1988_1989del (p.Pro663fs)

Gene: ATP7B (ATPase copper transporting beta; minus strand). Cytogenetic location: 13q14.3.
Variant type: Deletion.
Coding change: c.1988_1989del on transcript NM_000053.4 (MANE Select); coding-DNA positions 1988 to 1989, 2 bases deleted (CT; older notation c.1988_1989delCT).
Protein change: p.Pro663fs; shifts the reading frame from proline 663.
Molecular consequence: frameshift variant. On other transcripts: intron variant (13).
Genome position (GRCh38, 1-based): chr13:51,960,280-51,960,281, AG deleted on the plus strand (CT on the coding strand, the reverse complement: ATP7B is on the minus strand). VCF-style (leftmost placement, unchanged base first): chr13-51960279-CAG-C. GRCh37 (hg19) VCF-style: chr13-52534415-CAG-C.
Other names: c.1892_1893del, p.Pro631fs (NM_001406517.1, NM_001406518.1, NM_001406530.1 and 1 more transcripts); c.1988_1989del, p.Pro663fs (NM_001406519.1, NM_001406520.1, NM_001406521.1 and 16 more transcripts); c.1955_1956del, p.Pro652fs (NM_001406524.1, NM_001406514.1); c.1655_1656del, p.Pro552fs (NM_001243182.2); c.1559_1560del, p.Pro520fs (NM_001406539.1); c.1870-2674_1870-2673del (NM_001406541.1, NM_001005918.3, NM_001406546.1 and 1 more transcripts); c.1870-1737_1870-1736del (NM_001406531.1, NM_001406532.1, NM_001406540.1 and 1 more transcripts); c.1774-1737_1774-1736del (NM_001406543.1); and 3 more; short protein forms P552fs, P631fs, P520fs, P663fs, P652fs.
Identifiers: ClinVar variation 5005266 (VCV005005266.2).